The following is an entry in ClinVar:

ClinVar aggregate classification (germline): Uncertain significance (1 of 4 stars; one submission).

Conditions:
Hereditary cancer-predisposing syndrome. Also called: Neoplastic Syndromes, Hereditary; Tumor predisposition; Hereditary neoplastic syndrome; Hereditary Cancer Syndrome. Identifiers: Orphanet 140162, MedGen C0027672, MeSH D009386, MONDO:0015356.

Submission:

Ambry Genetics
Classification: Uncertain significance for Hereditary cancer-predisposing syndrome. Last evaluated: 2026-07-06. Review status: criteria provided, single submitter. Criteria: Ambry Variant Classification Scheme 2023. Collection method: clinical testing. Allele origin: germline.
Comment: The p.Q47L variant (also known as c.140A>T), located in coding exon 2 of the FH gene, results from an A to T substitution at nucleotide position 140. The glutamine at codon 47 is replaced by leucine, an amino acid with dissimilar properties. This amino acid position is conserved. In addition, the in silico prediction for this alteration is inconclusive. Based on the available evidence, the clinical significance of this variant remains unclear.

NM_000143.4(FH):c.140A>T (p.Gln47Leu)

Gene: FH (fumarate hydratase; minus strand). Cytogenetic location: 1q43.
Variant type: single nucleotide variant.
Coding change: c.140A>T on transcript NM_000143.4 (MANE Select); coding-DNA position 140, A replaced by T.
Protein change: p.Gln47Leu; replaces glutamine 47 with leucine.
Molecular consequence: missense variant.
Genome position (GRCh38, 1-based): chr1:241,517,309, T>A on the plus strand (A>T on the coding strand, the complement: FH is on the minus strand). VCF-style: chr1-241517309-T-A. GRCh37 (hg19) VCF-style: chr1-241680609-T-A.
Other names: short protein forms Q47L.
Identifiers: ClinVar variation 5021739 (VCV005021739.1).